The following is an entry in ClinVar:

ClinVar aggregate classification (germline): Uncertain significance. Review status: criteria provided, multiple submitters, no conflicts (2 of 4 stars). 2 submissions from 2 submitters: Uncertain significance (2). Last evaluated 2023-12-22.

Conditions:
Inborn genetic diseases. Identifiers: MedGen C0950123, MeSH D030342.

Allele frequency attached by ClinVar (database versions not stated): gnomAD exomes below 0.00001 and 0.00001; ExAC 0.00002.
gnomAD v4.1: 3 of 1,611,916 alleles (0.00019%); highest among the groups gnomAD compares: East Asian, 0.0045%; no homozygotes.

Submissions (2):

Ambry Genetics
Classification: Uncertain significance for Inborn genetic diseases. Last evaluated: 2023-12-22. Review status: criteria provided, single submitter. Criteria: Ambry Variant Classification Scheme 2023. Collection method: clinical testing. Allele origin: germline.

Labcorp Genetics (formerly Invitae), Labcorp
Classification: Uncertain significance. Last evaluated: 2022-06-09. Review status: criteria provided, single submitter. Criteria: Invitae Variant Classification Sherloc (09022015). Collection method: clinical testing. Allele origin: germline.
Comment: This sequence change replaces aspartic acid, which is acidic and polar, with asparagine, which is neutral and polar, at codon 867 of the ATR protein (p.Asp867Asn). This variant is present in population databases (rs754022724, gnomAD 0.01%). This variant has not been reported in the literature in individuals affected with ATR-related conditions. Algorithms developed to predict the effect of missense changes on protein structure and function (SIFT, PolyPhen-2, Align-GVGD) all suggest that this variant is likely to be tolerated. In summary, the available evidence is currently insufficient to determine the role of this variant in disease. Therefore, it has been classified as a Variant of Uncertain Significance.

NM_001184.4(ATR):c.2599G>A (p.Asp867Asn)

Gene: ATR (ATR checkpoint kinase; minus strand). Cytogenetic location: 3q23.
Variant type: single nucleotide variant.
Coding change: c.2599G>A on transcript NM_001184.4 (MANE Select); coding-DNA position 2599, G replaced by A.
Protein change: p.Asp867Asn; replaces aspartic acid 867 with asparagine.
Molecular consequence: missense variant.
Genome position (GRCh38, 1-based): chr3:142,553,674, C>T on the plus strand (G>A on the coding strand, the complement: ATR is on the minus strand). VCF-style: chr3-142553674-C-T. GRCh37 (hg19) VCF-style: chr3-142272516-C-T.
Other names: c.2407G>A, p.Asp803Asn (NM_001354579.2); c.2599G>A (NM_001184.3); short protein forms D803N, D867N.
Identifiers: ClinVar variation 1381072 (VCV001381072.6), dbSNP rs754022724, ClinGen allele CA2650324.